The following is an entry in ClinVar:

ClinVar aggregate classification (germline): Benign/Likely benign. Review status: criteria provided, multiple submitters, no conflicts (2 of 4 stars). 6 submissions from 6 submitters: Benign (3); Likely benign (3). Last evaluated 2026-02-01.

Conditions:
Lethal osteosclerotic bone dysplasia (RNS). Also called: Osteomalacia, sclerosing, with cerebral calcification. Identifiers: Orphanet 1832, MedGen C1850106, MONDO:0009821, OMIM 259775.

Allele frequency attached by ClinVar (database versions not stated): ESP Exome Variant Server 0.00066; gnomAD 0.00213 and 0.00431; TOPMed 0.00379; gnomAD exomes 0.01172; ExAC 0.02015; 1000 Genomes Project 30x 0.02030; 1000 Genomes Project 0.02196.
gnomAD v4.1: 7,007 of 1,535,438 alleles (0.46%); highest among the groups gnomAD compares: East Asian, 7.1%; 254 homozygotes.

Submissions (6):

Labcorp Genetics (formerly Invitae), Labcorp
Classification: Benign. Last evaluated: 2026-02-01. Review status: criteria provided, single submitter. Criteria: Invitae Variant Classification Sherloc (09022015). Collection method: clinical testing. Allele origin: germline.

Fulgent Genetics
Classification: Likely benign for Lethal osteosclerotic bone dysplasia. Last evaluated: 2021-09-29. Review status: criteria provided, single submitter. Criteria: ACMG Guidelines, 2015. Collection method: clinical testing. Allele origin: unknown.

GeneDx
Classification: Benign. Last evaluated: 2021-05-05. Review status: criteria provided, single submitter. Criteria: GeneDx Variant Classification Process June 2021. Collection method: clinical testing. Allele origin: germline. Affected: yes.

Center for Pediatric Genomic Medicine, Children's Mercy Hospital and Clinics
Classification: Likely benign. Last evaluated: 2015-05-21. Review status: criteria provided, single submitter. Criteria: ACMG Guidelines, 2015. Collection method: clinical testing. Allele origin: germline.
ClinVar note: Converted during submission from Likely Benign to Likely benign.

Eurofins Ntd Llc (ga)
Classification: Benign. Last evaluated: 2014-10-20. Review status: criteria provided, single submitter. Criteria: EGL Classification Definitions 2015. Collection method: clinical testing. Allele origin: germline. Observed: 1 variant allele, 1 heterozygote.

Breakthrough Genomics
Classification: Likely benign. Review status: criteria provided, single submitter. Criteria: ACMG Guidelines, 2015. Collection method: not provided. Allele origin: germline. Inheritance: Autosomal recessive inheritance. Affected: yes.

NM_020223.4(FAM20C):c.1681G>A (p.Val561Met)

Gene: FAM20C (FAM20C golgi associated secretory pathway kinase; plus strand). Cytogenetic location: 7p22.3.
Variant type: single nucleotide variant.
Coding change: c.1681G>A on transcript NM_020223.4 (MANE Select); coding-DNA position 1681, G replaced by A.
Protein change: p.Val561Met; replaces valine 561 with methionine.
Molecular consequence: missense variant.
Genome position (GRCh38, 1-based): chr7:259,906, G>A. VCF-style: chr7-259906-G-A. GRCh37 (hg19) VCF-style: chr7-299872-G-A.
Other names: short protein forms V561M.
Identifiers: ClinVar variation 193729 (VCV000193729.19), dbSNP rs145750007, ClinGen allele CA200752.
Genomic context (GRCh38, chr7:259,906, plus strand): 5'-CCGCACCTGGAGGCCCTGGACCGGCGGCTCCGCGTCGTGCTAAAGGCCGTCCGGGACTGC[G>A]TGGAGAGGAACGGGCTCCACAGCGTGGTGGATGACGACCTGGACACTGAGCACAGAGCCG-3'
Protein context (NP_064608.2, residues 551-571): RVVLKAVRDC[Val561Met]ERNGLHSVVD